The following is an entry in ClinVar:

NM_001277115.2(DNAH11):c.8558T>G (p.Leu2853Trp)

Gene: DNAH11 (dynein axonemal heavy chain 11; plus strand). Cytogenetic location: 7p15.3.
Variant type: single nucleotide variant.
Coding change: c.8558T>G on transcript NM_001277115.2 (MANE Select); coding-DNA position 8558, T replaced by G.
Protein change: p.Leu2853Trp; replaces leucine 2853 with tryptophan.
Molecular consequence: missense variant.
Genome position (GRCh38, 1-based): chr7:21,748,627, T>G. VCF-style: chr7-21748627-T-G. GRCh37 (hg19) VCF-style: chr7-21788245-T-G.
Other names: short protein forms L2853W.
Identifiers: ClinVar variation 844593 (VCV000844593.5), dbSNP rs1053893041, ClinGen allele CA366955124.

ClinVar aggregate classification (germline): Uncertain significance (1 of 4 stars; one submission).

Conditions:
Primary ciliary dyskinesia. Also called: Ciliary dyskinesia. Identifiers: Orphanet 244, MedGen C0008780, MONDO:0016575, HP:0012265.

Submission:

Labcorp Genetics (formerly Invitae), Labcorp
Classification: Uncertain significance for Primary ciliary dyskinesia. Last evaluated: 2022-06-27. Review status: criteria provided, single submitter. Criteria: Invitae Variant Classification Sherloc (09022015). Collection method: clinical testing. Allele origin: germline.
Comment: This sequence change replaces leucine, which is neutral and non-polar, with tryptophan, which is neutral and slightly polar, at codon 2853 of the DNAH11 protein (p.Leu2853Trp). This variant is not present in population databases (gnomAD no frequency). This missense change has been observed in individual(s) with primary ciliary dyskinesia (Invitae). ClinVar contains an entry for this variant (Variation ID: 844593). Algorithms developed to predict the effect of missense changes on protein structure and function (SIFT, PolyPhen-2, Align-GVGD) all suggest that this variant is likely to be disruptive. In summary, the available evidence is currently insufficient to determine the role of this variant in disease. Therefore, it has been classified as a Variant of Uncertain Significance.